The following is an entry in ClinVar:

ClinVar aggregate classification (germline): Uncertain significance (1 of 4 stars; one submission).

Allele frequency attached by ClinVar (database versions not stated): TOPMed 0.00001; ExAC 0.00002; gnomAD exomes 0.00002; gnomAD 0.00003.

Submission:

Labcorp Genetics (formerly Invitae), Labcorp
Classification: Uncertain significance. Last evaluated: 2022-07-21. Review status: criteria provided, single submitter. Criteria: Invitae Variant Classification Sherloc (09022015). Collection method: clinical testing. Allele origin: germline.
Comment: In summary, the available evidence is currently insufficient to determine the role of this variant in disease. Therefore, it has been classified as a Variant of Uncertain Significance. Algorithms developed to predict the effect of missense changes on protein structure and function (SIFT, PolyPhen-2, Align-GVGD) all suggest that this variant is likely to be tolerated. This variant has not been reported in the literature in individuals affected with P2RX2-related conditions. This variant is present in population databases (rs755843325, gnomAD 0.01%), including at least one homozygous and/or hemizygous individual. This sequence change replaces histidine, which is basic and polar, with tyrosine, which is neutral and polar, at codon 209 of the P2RX2 protein (p.His209Tyr).

NM_170682.4(P2RX2):c.625C>T (p.His209Tyr)

Gene: P2RX2 (purinergic receptor P2X 2; plus strand). Cytogenetic location: 12q24.33.
Variant type: single nucleotide variant.
Coding change: c.625C>T on transcript NM_170682.4 (MANE Select); coding-DNA position 625, C replaced by T.
Protein change: p.His209Tyr; replaces histidine 209 with tyrosine.
Molecular consequence: missense variant.
Genome position (GRCh38, 1-based): chr12:132,620,337, C>T. VCF-style: chr12-132620337-C-T. GRCh37 (hg19) VCF-style: chr12-133196923-C-T.
Other names: c.518C>T, p.Pro173Leu (NM_001282164.2); c.625C>T, p.His209Tyr (NM_001282165.2, NM_170683.4, NM_174873.3); c.409C>T, p.His137Tyr (NM_012226.5); c.553C>T, p.His185Tyr (NM_016318.4); c.349C>T, p.His117Tyr (NM_174872.3); short protein forms H137Y, H117Y, H209Y, P173L, H185Y.
Identifiers: ClinVar variation 2012428 (VCV002012428.4), dbSNP rs755843325, ClinGen allele CA6891570.